The following is an entry in ClinVar:

NM_031296.3(RAB33B):c.*1403C>A

Gene: RAB33B (RAB33B, member RAS oncogene family; plus strand). Cytogenetic location: 4q31.1.
Variant type: single nucleotide variant.
Coding change: c.*1403C>A on transcript NM_031296.3 (MANE Select); 1403 bases downstream of the stop codon, C replaced by A.
Molecular consequence: 3 prime UTR variant.
Genome position (GRCh38, 1-based): chr4:139,474,529, C>A. VCF-style: chr4-139474529-C-A. GRCh37 (hg19) VCF-style: chr4-140395683-C-A.
Identifiers: ClinVar variation 347584 (VCV000347584.6), dbSNP rs75661332, ClinGen allele CA10617095.
Genomic context (GRCh38, chr4:139,474,529, plus strand): 5'-TTAATGACTAAATGCCAAGTTAACAAATCAACTTCCATTTGGATTGTAGGTGTGAAGGCA[C>A]AACTCTAATTGCTATTAGTCTACATGTATTTCTGTAATAGTATTGTGTCATATCAATTTT-3'

ClinVar aggregate classification (germline): Likely benign. Review status: criteria provided, multiple submitters, no conflicts (2 of 4 stars). 2 submissions from 2 submitters: Likely benign (2). Last evaluated 2017-04-27.

Conditions:
Smith-McCort dysplasia 2 (SMC2). Identifiers: MedGen C3714896, MONDO:0014087, OMIM 615222.

Allele frequency attached by ClinVar (database versions not stated): 1000 Genomes Project 0.01138; 1000 Genomes Project 30x 0.01140; gnomAD exomes 0.01524; TOPMed 0.01804.
gnomAD v4.1: 2,446 of 152,568 alleles (1.6%); highest among the groups gnomAD compares: Admixed American, 3.2%; 31 homozygotes.

Submissions (2):

Illumina Laboratory Services, Illumina
Classification: Likely benign for Smith-McCort dysplasia 2. Last evaluated: 2017-04-27. Review status: criteria provided, single submitter. Criteria: ICSL Variant Classification Criteria 13 December 2019. Collection method: clinical testing. Allele origin: germline.
Comment: This variant was observed as part of a predisposition screen in an ostensibly healthy population. A literature search was performed for the gene, cDNA change, and amino acid change (where applicable). No publications were found based on this search. Allele frequency data from public databases allowed determination this variant is unlikely to cause disease. Therefore, this variant is classified as likely benign.

Breakthrough Genomics
Classification: Likely benign. Review status: criteria provided, single submitter. Criteria: ACMG Guidelines, 2015. Collection method: not provided. Allele origin: germline. Inheritance: Autosomal recessive inheritance. Affected: yes.